The following is an entry in ClinVar:

NM_019066.5(MAGEL2):c.1344A>C (p.Pro448=)

Gene: MAGEL2 (MAGE family member L2; minus strand). Cytogenetic location: 15q11.2.
Variant type: single nucleotide variant.
Coding change: c.1344A>C on transcript NM_019066.5 (MANE Select); coding-DNA position 1344, A replaced by C.
Protein change: p.Pro448=; no amino-acid change (proline 448 retained).
Molecular consequence: synonymous variant.
Genome position (GRCh38, 1-based): chr15:23,646,399, T>G on the plus strand (A>C on the coding strand, the complement: MAGEL2 is on the minus strand). VCF-style: chr15-23646399-T-G. GRCh37 (hg19) VCF-style: chr15-23891546-T-G.
Identifiers: ClinVar variation 2644992 (VCV002644992.24), dbSNP rs531746418, ClinGen allele CA267660476.

ClinVar aggregate classification (germline): Likely benign (1 of 4 stars; one submission).

Allele frequency attached by ClinVar (database versions not stated): 1000 Genomes Project 0.00060.

Submission:

CeGaT Center for Human Genetics Tuebingen
Classification: Likely benign. Last evaluated: 2022-07-01. Review status: criteria provided, single submitter. Criteria: CeGaT Center For Human Genetics Tuebingen Variant Classification Criteria Version 2. Collection method: clinical testing. Allele origin: germline. Affected: yes. Observed: 1 variant allele.
Comment: MAGEL2: PM2:Supporting, BP4, BP7